The following is an entry in ClinVar:

NM_032802.4(SPPL2A):c.9_10delinsAA (p.Gln4Lys)

Genes: SPPL2A (signal peptide peptidase like 2A; minus strand), LOC130057047 (ATAC-STARR-seq lymphoblastoid silent region 6430; plus strand). Cytogenetic location: 15q21.2.
Variant type: Indel.
Coding change: c.9_10delinsAA on transcript NM_032802.4 (MANE Select); coding-DNA positions 9 to 10, GC replaced by AA.
Protein change: p.Gln4Lys; replaces glutamine 4 with lysine.
Molecular consequence: missense variant.
Genome position (GRCh38, 1-based): chr15:50,765,524-50,765,525, GC replaced by TT on the plus strand (GC replaced by AA on the coding strand, the reverse complement: SPPL2A is on the minus strand). VCF-style: chr15-50765524-GC-TT. GRCh37 (hg19) VCF-style: chr15-51057721-GC-TT.
Other names: short protein forms Q4K.
Identifiers: ClinVar variation 1450683 (VCV001450683.6), dbSNP rs2141069727, ClinGen allele CA2573150988.

ClinVar aggregate classification (germline): Uncertain significance (1 of 4 stars; one submission).

Submission:

Labcorp Genetics (formerly Invitae), Labcorp
Classification: Uncertain significance. Last evaluated: 2024-04-04. Review status: criteria provided, single submitter. Criteria: Invitae Variant Classification Sherloc (09022015). Collection method: clinical testing. Allele origin: germline.
Comment: This variant, c.9_10delinsAA, is a complex sequence change that results in the deletion of 1 and insertion of 1 amino acid(s) in the SPPL2A protein (p.Gln4Lys). Information on the frequency of this variant in the gnomAD database is not available, as this variant may be reported differently in the database. This variant has not been reported in the literature in individuals affected with SPPL2A-related conditions. ClinVar contains an entry for this variant (Variation ID: 1450683). Experimental studies and prediction algorithms are not available or were not evaluated, and the functional significance of this variant is currently unknown. In summary, the available evidence is currently insufficient to determine the role of this variant in disease. Therefore, it has been classified as a Variant of Uncertain Significance.